The following is an entry in ClinVar:

NM_018319.4(TDP1):c.400G>A (p.Ala134Thr)

Genes: TDP1 (tyrosyl-DNA phosphodiesterase 1; plus strand), LOC126862019 (CDK7 strongly-dependent group 2 enhancer GRCh37_chr14:90429220-90430419; plus strand). Cytogenetic location: 14q32.11.
Variant type: single nucleotide variant.
Coding change: c.400G>A on transcript NM_018319.4 (MANE Select); coding-DNA position 400, G replaced by A.
Protein change: p.Ala134Thr; replaces alanine 134 with threonine.
Molecular consequence: missense variant.
Genome position (GRCh38, 1-based): chr14:89,963,514, G>A. VCF-style: chr14-89963514-G-A. GRCh37 (hg19) VCF-style: chr14-90429858-G-A.
Other names: c.400G>A, p.Ala134Thr (NM_001008744.2, NM_001330205.2); short protein forms A134T.
Identifiers: ClinVar variation 314826 (VCV000314826.13), dbSNP rs28365054, ClinGen allele CA7303580.

ClinVar aggregate classification (germline): Benign. Review status: criteria provided, multiple submitters, no conflicts (2 of 4 stars). 7 submissions from 7 submitters: Benign (5). 2 of the submissions do not count toward it. Last evaluated 2023-11-01.

Conditions:
Spinocerebellar ataxia, autosomal recessive, with axonal neuropathy 1 (SCAN1). Identifiers: Orphanet 94124, MedGen C4759870, MONDO:0011801, OMIM 607250.

Allele frequency attached by ClinVar (database versions not stated): gnomAD exomes 0.02735; ExAC 0.04524; gnomAD 0.09963 and 0.10566; 1000 Genomes Project 0.10583; ESP Exome Variant Server 0.10903; 1000 Genomes Project 30x 0.11134; TOPMed 0.11217.
gnomAD v4.1: 55,579 of 1,603,114 alleles (3.5%); highest among the groups gnomAD compares: African/African-American, 31%; 4,014 homozygotes.

Submissions (7):

Athena Diagnostics
Classification: Benign. Last evaluated: 2023-11-01. Review status: criteria provided, single submitter. Criteria: Athena Diagnostics Criteria. Collection method: clinical testing. Allele origin: unknown.

GeneDx
Classification: Benign. Last evaluated: 2021-05-05. Review status: criteria provided, single submitter. Criteria: GeneDx Variant Classification Process June 2021. Collection method: clinical testing. Allele origin: germline. Affected: yes.

Mayo Clinic Laboratories, Mayo Clinic
Classification: Benign. Last evaluated: 2018-06-27. Review status: criteria provided, single submitter. Criteria: ACMG Guidelines, 2015. Collection method: clinical testing. Allele origin: germline. Observed: 162 variant alleles.

Illumina Laboratory Services, Illumina
Classification: Benign for Spinocerebellar ataxia, autosomal recessive, with axonal neuropathy 1. Last evaluated: 2018-01-12. Review status: criteria provided, single submitter. Criteria: ICSL Variant Classification Criteria 13 December 2019. Collection method: clinical testing. Allele origin: germline.
Comment: This variant was observed in the ICSL laboratory as part of a predisposition screen in an ostensibly healthy population. It had not been previously curated by ICSL or reported in the Human Gene Mutation Database (HGMD: prior to June 1st, 2018), and was therefore a candidate for classification through an automated scoring system. Utilizing variant allele frequency, disease prevalence and penetrance estimates, and inheritance mode, an automated score was calculated to assess if this variant is too frequent to cause the disease. Based on the score and internal cut-off values, a variant classified as benign is not then subjected to further curation. The score for this variant resulted in a classification of benign for this disease.

Breakthrough Genomics
Classification: Benign. Review status: criteria provided, single submitter. Criteria: ACMG Guidelines, 2015. Collection method: not provided. Allele origin: germline. Inheritance: Autosomal recessive inheritance. Affected: yes.

Clinical Genetics DNA and cytogenetics Diagnostics Lab, Erasmus MC, Erasmus Medical Center
Classification: Benign. Review status: no assertion criteria provided. Collection method: clinical testing. Allele origin: germline. Affected: yes. Study: VKGL Data-share Consensus. Not counted in ClinVar's aggregate classification.

Clinical Genetics, Academic Medical Center
Classification: Benign. Review status: no assertion criteria provided. Collection method: clinical testing. Allele origin: germline. Affected: yes. Study: VKGL Data-share Consensus. Not counted in ClinVar's aggregate classification.